The following is an entry in ClinVar:

NM_152383.5(DIS3L2):c.986T>C (p.Ile329Thr)

Gene: DIS3L2 (DIS3 like 3'-5' exoribonuclease 2; plus strand). Cytogenetic location: 2q37.1.
Variant type: single nucleotide variant.
Coding change: c.986T>C on transcript NM_152383.5 (MANE Select); coding-DNA position 986, T replaced by C.
Protein change: p.Ile329Thr; replaces isoleucine 329 with threonine.
Molecular consequence: missense variant. On other transcripts: non-coding transcript variant (2).
Genome position (GRCh38, 1-based): chr2:232,163,494, T>C. VCF-style: chr2-232163494-T-C. GRCh37 (hg19) VCF-style: chr2-233028204-T-C.
Other names: c.986T>C, p.Ile329Thr (NM_001257281.2); short protein forms I329T.
Identifiers: ClinVar variation 1026018 (VCV001026018.8), dbSNP rs1690714963, ClinGen allele CA351154231.

ClinVar aggregate classification (germline): Uncertain significance (1 of 4 stars; one submission).

Conditions:
Perlman syndrome (PRLMNS). Identifiers: Orphanet 2849, MedGen C0796113, MONDO:0009965, OMIM 267000.

Allele frequency attached by ClinVar (database versions not stated): gnomAD exomes below 0.00001.
gnomAD v4.1: 4 of 1,614,078 alleles (0.00025%); highest among the groups gnomAD compares: Non-Finnish European, 0.00034%; no homozygotes.

Submission:

Labcorp Genetics (formerly Invitae), Labcorp
Classification: Uncertain significance for Perlman syndrome. Last evaluated: 2023-11-10. Review status: criteria provided, single submitter. Criteria: Invitae Variant Classification Sherloc (09022015). Collection method: clinical testing. Allele origin: germline.
Comment: This sequence change replaces isoleucine, which is neutral and non-polar, with threonine, which is neutral and polar, at codon 329 of the DIS3L2 protein (p.Ile329Thr). This variant is not present in population databases (gnomAD no frequency). This variant has not been reported in the literature in individuals affected with DIS3L2-related conditions. ClinVar contains an entry for this variant (Variation ID: 1026018). Advanced modeling of protein sequence and biophysical properties (such as structural, functional, and spatial information, amino acid conservation, physicochemical variation, residue mobility, and thermodynamic stability) has been performed at Invitae for this missense variant, however the output from this modeling did not meet the statistical confidence thresholds required to predict the impact of this variant on DIS3L2 protein function. In summary, the available evidence is currently insufficient to determine the role of this variant in disease. Therefore, it has been classified as a Variant of Uncertain Significance.